The following is an entry in ClinVar:

ClinVar aggregate classification (germline): Uncertain significance. Review status: criteria provided, multiple submitters, no conflicts (2 of 4 stars). 2 submissions from 2 submitters: Uncertain significance (2). Last evaluated 2022-02-03.

Conditions:
RYR1-related disorder. Also called: RYR1-related condition; RYR1-related disorders. Identifiers: MedGen CN239331.

Allele frequency attached by ClinVar (database versions not stated): gnomAD 0.00001.
gnomAD v4.1: 7 of 1,613,770 alleles (0.00043%); highest among the groups gnomAD compares: African/African-American, 0.0013%; no homozygotes.

Submissions (2):

Labcorp Genetics (formerly Invitae), Labcorp
Classification: Uncertain significance for RYR1-related disorder. Last evaluated: 2022-02-03. Review status: criteria provided, single submitter. Criteria: Invitae Variant Classification Sherloc (09022015). Collection method: clinical testing. Allele origin: germline.
Comment: This sequence change replaces arginine, which is basic and polar, with leucine, which is neutral and non-polar, at codon 2954 of the RYR1 protein (p.Arg2954Leu). This variant is not present in population databases (gnomAD no frequency). This variant has not been reported in the literature in individuals affected with RYR1-related conditions. ClinVar contains an entry for this variant (Variation ID: 1061843). Advanced modeling of protein sequence and biophysical properties (such as structural, functional, and spatial information, amino acid conservation, physicochemical variation, residue mobility, and thermodynamic stability) performed at Invitae indicates that this missense variant is expected to disrupt RYR1 protein function. In summary, the available evidence is currently insufficient to determine the role of this variant in disease. Therefore, it has been classified as a Variant of Uncertain Significance.

Revvity Omics, Revvity
Classification: Uncertain significance. Last evaluated: 2019-07-10. Review status: criteria provided, single submitter. Criteria: ACMG Guidelines, 2015. Collection method: clinical testing. Allele origin: germline.

NM_000540.3(RYR1):c.8861G>T (p.Arg2954Leu)

Gene: RYR1 (ryanodine receptor 1; plus strand). Cytogenetic location: 19q13.2.
Variant type: single nucleotide variant.
Coding change: c.8861G>T on transcript NM_000540.3 (MANE Select); coding-DNA position 8861, G replaced by T.
Protein change: p.Arg2954Leu; replaces arginine 2954 with leucine.
Molecular consequence: missense variant.
Genome position (GRCh38, 1-based): chr19:38,507,756, G>T. VCF-style: chr19-38507756-G-T. GRCh37 (hg19) VCF-style: chr19-38998396-G-T.
Other names: c.8861G>T (NM_000540.2); c.8861G>T, p.Arg2954Leu (NM_001042723.2); short protein forms R2954L.
Identifiers: ClinVar variation 1061843 (VCV001061843.8), dbSNP rs1970541664, ClinGen allele CA405681904.